The following is an entry in ClinVar:

NM_014844.5(TECPR2):c.2875C>T (p.Arg959Trp)

Gene: TECPR2 (tectonin beta-propeller repeat containing 2; plus strand). Cytogenetic location: 14q32.31.
Variant type: single nucleotide variant.
Coding change: c.2875C>T on transcript NM_014844.5 (MANE Select); coding-DNA position 2875, C replaced by T.
Protein change: p.Arg959Trp; replaces arginine 959 with tryptophan.
Molecular consequence: missense variant.
Genome position (GRCh38, 1-based): chr14:102,443,769, C>T. VCF-style: chr14-102443769-C-T. GRCh37 (hg19) VCF-style: chr14-102910106-C-T.
Other names: c.2875C>T, p.Arg959Trp (NM_001172631.3); short protein forms R959W.
Identifiers: ClinVar variation 1344154 (VCV001344154.8), dbSNP rs762185786, ClinGen allele CA7358069.

ClinVar aggregate classification (germline): Uncertain significance. Review status: criteria provided, multiple submitters, no conflicts (2 of 4 stars). 2 submissions from 2 submitters: Uncertain significance (2). Last evaluated 2021-09-17.

Conditions:
Hereditary spastic paraplegia. Also called: Familial spastic paraparesis. Identifiers: Orphanet 685, MedGen C0037773, MONDO:0019064. Disease mechanism: loss of function.
Hereditary spastic paraplegia 49 (HSAN9). Also called: Spastic paraplegia 49, autosomal recessive; TECPR2-Related Hereditary Sensory and Autonomic Neuropathy with Intellectual Disability; NEUROPATHY, HEREDITARY SENSORY AND AUTONOMIC, TYPE IX, WITH DEVELOPMENTAL DELAY. Identifiers: Orphanet 320385, MedGen C5190860, MONDO:0014016, OMIM 615031.

Allele frequency attached by ClinVar (database versions not stated): gnomAD exomes 0.00005 and 0.00001; ExAC 0.00001; gnomAD 0.00001 and 0.00002; TOPMed 0.00002.
gnomAD v4.1: 68 of 1,608,934 alleles (0.0042%); highest among the groups gnomAD compares: Non-Finnish European, 0.0056%; no homozygotes.

Submissions (2):

Labcorp Genetics (formerly Invitae), Labcorp
Classification: Uncertain significance for Hereditary spastic paraplegia 49. Last evaluated: 2021-09-17. Review status: criteria provided, single submitter. Criteria: Invitae Variant Classification Sherloc (09022015). Collection method: clinical testing. Allele origin: germline.
Comment: This sequence change replaces arginine with tryptophan at codon 959 of the TECPR2 protein (p.Arg959Trp). The arginine residue is highly conserved and there is a moderate physicochemical difference between arginine and tryptophan. This variant is present in population databases (rs762185786, ExAC 0.002%). This variant has not been reported in the literature in individuals with TECPR2-related conditions. Algorithms developed to predict the effect of missense changes on protein structure and function are either unavailable or do not agree on the potential impact of this missense change (SIFT: "Deleterious"; PolyPhen-2: "Probably Damaging"; Align-GVGD: "Class C0"). In summary, the available evidence is currently insufficient to determine the role of this variant in disease. Therefore, it has been classified as a Variant of Uncertain Significance.

Genome Diagnostics Laboratory, The Hospital for Sick Children
Classification: Uncertain significance for Hereditary spastic paraplegia. Last evaluated: 2020-01-02. Review status: criteria provided, single submitter. Criteria: ACMG Guidelines, 2015. Collection method: clinical testing. Allele origin: germline. Affected: yes.